The following is an entry in ClinVar:

ClinVar aggregate classification (germline): Pathogenic/Likely pathogenic. Review status: criteria provided, multiple submitters, no conflicts (2 of 4 stars). 2 submissions from 2 submitters: Pathogenic (1); Likely pathogenic (1). Last evaluated 2026-09-08.

Conditions:
GLA-related disorder. Also called: GLA-related condition.
Fabry disease. Also called: ALPHA-GALACTOSIDASE A DEFICIENCY; ANDERSON-FABRY DISEASE; CERAMIDE TRIHEXOSIDASE DEFICIENCY; GLA DEFICIENCY; HEREDITARY DYSTOPIC LIPIDOSIS; Angiokeratoma corporis diffusum. Identifiers: Orphanet 324, MedGen C0002986, MONDO:0010526, OMIM 301500, HP:0001071. Disease mechanism: Fabry disease is due to inactivating mutations in the X-linked GLA gene resulting in deficiency of the enzyme Alpha Galactosidase-A., loss of function.

Submissions (2):

Genomenon, Inc
Classification: Likely pathogenic for Fabry disease. Last evaluated: 2026-09-08. Review status: criteria provided, single submitter. Criteria: Genomenon Sequence Variant Interpretation Standards - Updated. Collection method: curation. Allele origin: germline. Affected: yes.
Comment: GLA p.Leu191Pro (c.572T>C) is a missense variant that changes the amino acid at codon 191 from Leucine to Proline. This variant has been observed in at least one proband with clinical features consistent with Fabry disease (PMID:30834538;33906135;16630168;29631605;17187618;12938095;36165155). At least one functional study has demonstrated a substantial alteration in protein function relative to the wild-type (PMID:32023956;27657681). It is absent or not present at a significant frequency in gnomAD. In silico models predict that this variant is possibly or probably damaging. In conclusion, we classify GLA p.Leu191Pro (c.572T>C) as a likely pathogenic variant.

Blueprint Genetics
Classification: Pathogenic for GLA-related disorders. Last evaluated: 2023-05-04. Review status: criteria provided, single submitter. Criteria: ACMG Guidelines, 2015. Collection method: clinical testing. Allele origin: germline. Affected: yes. Observed: 1 variant allele.

Literature cited by the submitters: PubMed 30834538 (cited by Genomenon, Inc); PubMed 33906135 (cited by Genomenon, Inc); PubMed 16630168 (cited by Genomenon, Inc); PubMed 29631605 (cited by Genomenon, Inc); PubMed 17187618 (cited by Genomenon, Inc); PubMed 12938095 (cited by Genomenon, Inc); PubMed 36165155 (cited by Genomenon, Inc); PubMed 32023956 (cited by Genomenon, Inc); PubMed 27657681 (cited by Genomenon, Inc).

NM_000169.3(GLA):c.572T>C (p.Leu191Pro)

Genes: GLA (galactosidase alpha; minus strand), RPL36A-HNRNPH2 (RPL36A-HNRNPH2 readthrough; plus strand). Cytogenetic location: Xq22.1.
Variant type: single nucleotide variant.
Coding change: c.572T>C on transcript NM_000169.3 (MANE Select); coding-DNA position 572, T replaced by C.
Protein change: p.Leu191Pro; replaces leucine 191 with proline.
Molecular consequence: missense variant. On other transcripts: non-coding transcript variant (2), intron variant (2).
Genome position (GRCh38, 1-based): chrX:101,400,733, A>G on the plus strand (T>C on the coding strand, the complement: GLA is on the minus strand). VCF-style: chrX-101400733-A-G. GRCh37 (hg19) VCF-style: chrX-100655721-A-G.
Other names: c.695T>C, p.Leu232Pro (NM_001406747.1); c.572T>C, p.Leu191Pro (NM_001406748.1); c.300+5276A>G (NM_001199973.2); c.177+8911A>G (NM_001199974.2); short protein forms L191P, L232P.
Identifiers: ClinVar variation 4087422 (VCV004087422.2), dbSNP rs111972736.